The following is an entry in ClinVar:

NM_007078.3(LDB3):c.735C>T (p.Val245=)

Gene: LDB3 (LIM domain binding 3; plus strand). Cytogenetic location: 10q23.2.
Variant type: single nucleotide variant.
Coding change: c.735C>T on transcript NM_007078.3 (MANE Select); coding-DNA position 735, C replaced by T.
Protein change: p.Val245=; no amino-acid change (valine 245 retained).
Molecular consequence: synonymous variant.
Genome position (GRCh38, 1-based): chr10:86,691,941, C>T. VCF-style: chr10-86691941-C-T. GRCh37 (hg19) VCF-style: chr10-88451698-C-T.
Other names: c.735C>T (NM_007078.2); c.594C>T, p.Val198= (NM_001080114.2, NM_001080116.1, NM_001368066.1 and 2 more transcripts); c.735C>T, p.Val245= (NM_001080115.2, NM_001368063.1, NM_001368064.1 and 1 more transcripts); c.939C>T, p.Val313= (NM_001171610.2, NM_001171611.2).
Identifiers: ClinVar variation 1658173 (VCV001658173.9), dbSNP rs1329610577, ClinGen allele CA470304167.

ClinVar aggregate classification (germline): Conflicting classifications of pathogenicity. Review status: criteria provided, conflicting classifications (1 of 4 stars). 2 submissions from 2 submitters: Uncertain significance (1); Likely benign (1). Last evaluated 2024-11-09.

Conditions:
Cardiovascular phenotype. Identifiers: MedGen CN230736.
Myofibrillar myopathy 4. Also called: Zaspopathy (type). Identifiers: Orphanet 98912, MedGen C4721886, MONDO:0012277, OMIM 609452.

Allele frequency attached by ClinVar (database versions not stated): gnomAD exomes below 0.00001 and 0.00002; TOPMed below 0.00001.
gnomAD v4.1: 31 of 1,614,216 alleles (0.0019%); highest among the groups gnomAD compares: Non-Finnish European, 0.0026%; no homozygotes.

Submissions (2):

Labcorp Genetics (formerly Invitae), Labcorp
Classification: Likely benign for Myofibrillar myopathy 4. Last evaluated: 2024-11-09. Review status: criteria provided, single submitter. Criteria: Invitae Variant Classification Sherloc (09022015). Collection method: clinical testing. Allele origin: germline.

Ambry Genetics
Classification: Uncertain significance for Cardiovascular phenotype. Last evaluated: 2024-10-15. Review status: criteria provided, single submitter. Criteria: Ambry Variant Classification Scheme 2023. Collection method: clinical testing. Allele origin: germline.
Comment: The c.735C>T variant (also known as p.V245V), located in coding exon 5 of the LDB3 gene, results from a C to T substitution at nucleotide position 735. This nucleotide substitution does not change the amino acid at codon 245. This nucleotide position is poorly conserved in available vertebrate species. In silico splice site analysis predicts that this alteration may result in the creation or strengthening of a novel splice acceptor site. Based on the available evidence, the clinical significance of this variant remains unclear.